The following is an entry in ClinVar:

NM_133379.5(TTN):c.16471A>C (p.Met5491Leu)

Gene: TTN (titin; minus strand). Cytogenetic location: 2q31.2.
Variant type: single nucleotide variant.
Coding change: c.16471A>C on transcript NM_133379.5; coding-DNA position 16471, A replaced by C.
Protein change: p.Met5491Leu; replaces methionine 5491 with leucine.
Molecular consequence: missense variant. On other transcripts: intron variant (6).
Genome position (GRCh38, 1-based): chr2:178,745,929, T>G on the plus strand (A>C on the coding strand, the complement: TTN is on the minus strand). VCF-style: chr2-178745929-T-G. GRCh37 (hg19) VCF-style: chr2-179610656-T-G.
Other names: c.10223-4008A>C (NM_003319.4); c.10799-4008A>C (NM_133437.4); c.10598-4008A>C (NM_133432.3); c.10360+7195A>C (NM_133378.4); c.10361-4008A>C (NM_001256850.1); c.11312-4008A>C (NM_001267550.2); short protein forms M5491L.
Identifiers: ClinVar variation 229591 (VCV000229591.14), dbSNP rs191751905, ClinGen allele CA2002935.

ClinVar aggregate classification (germline): Conflicting classifications of pathogenicity. Review status: criteria provided, conflicting classifications (1 of 4 stars). 4 submissions from 4 submitters: Uncertain significance (3); Likely benign (1). Last evaluated 2026-06-01.

Allele frequency attached by ClinVar (database versions not stated): ExAC 0.00002; gnomAD exomes 0.00002; TOPMed 0.00003; gnomAD 0.00004 and 0.00005; 1000 Genomes Project 0.00040; 1000 Genomes Project 30x 0.00047.
gnomAD v4.1: 19 of 1,608,900 alleles (0.0012%); highest among the groups gnomAD compares: Admixed American, 0.023%; no homozygotes.

Submissions (4):

CeGaT Center for Human Genetics Tuebingen
Classification: Uncertain significance. Last evaluated: 2026-06-01. Review status: criteria provided, single submitter. Criteria: CeGaT Center For Human Genetics Tuebingen Variant Classification Criteria Version 2. Collection method: clinical testing. Allele origin: germline. Affected: yes. Observed: 1 variant allele.
Comment: TTN: PM2, BP4

Blueprint Genetics
Classification: Likely benign. Last evaluated: 2024-10-23. Review status: criteria provided, single submitter. Criteria: ACMG Guidelines, 2015. Collection method: clinical testing. Allele origin: germline.

AiLife Diagnostics
Classification: Uncertain significance. Last evaluated: 2021-06-18. Review status: criteria provided, single submitter. Criteria: ACMG Guidelines, 2015. Collection method: clinical testing. Allele origin: germline. Affected: yes. Observed: 1 variant allele.

Laboratory for Molecular Medicine, Mass General Brigham Personalized Medicine
Classification: Uncertain significance. Last evaluated: 2015-08-25. Review status: criteria provided, single submitter. Criteria: LMM Criteria. Collection method: clinical testing. Allele origin: germline. Observed: 1 variant allele.
Comment: The p.Met5491Leu variant in TTN has not been previously reported in individuals with cardiomyopathy, but has been identified in 2/11526 Latino chromosomes by th e Exome Aggregation Consortium (ExAC; dbSNP rs19 1751905). Computational prediction tools and conservation analysis are limited o r unavailable for this variant. In summary, the clinical significance of the p.M et5491Leu variant is uncertain.